The following is an entry in ClinVar:

ClinVar aggregate classification (germline): Conflicting classifications of pathogenicity. Review status: criteria provided, conflicting classifications (1 of 4 stars). 3 submissions from 3 submitters: Uncertain significance (2); Likely benign (1). Last evaluated 2025-09-07.

Conditions:
INF2-related disorder. Also called: INF2-related condition.
Charcot-Marie-Tooth disease dominant intermediate E. Also called: CHARCOT-MARIE-TOOTH NEUROPATHY WITH FOCAL SEGMENTAL GLOMERULONEPHRITIS. Identifiers: Orphanet 93114, MedGen C4302667, MONDO:0013758, OMIM 614455.
Focal segmental glomerulosclerosis 5 (FSGS5). Identifiers: Orphanet 656, MedGen C2750475, MONDO:0013191, OMIM 613237.

Allele frequency attached by ClinVar (database versions not stated): gnomAD exomes 0.00001; TOPMed 0.00001.
gnomAD v4.1: 4 of 1,610,020 alleles (0.00025%); highest among the groups gnomAD compares: East Asian, 0.0067%; no homozygotes.

Submissions (3):

Labcorp Genetics (formerly Invitae), Labcorp
Classification: Likely benign for Charcot-Marie-Tooth disease dominant intermediate E; Focal segmental glomerulosclerosis 5. Last evaluated: 2025-09-07. Review status: criteria provided, single submitter. Criteria: Invitae Variant Classification Sherloc (09022015). Collection method: clinical testing. Allele origin: germline.

Fulgent Genetics
Classification: Uncertain significance for Focal segmental glomerulosclerosis 5; Charcot-Marie-Tooth disease dominant intermediate E. Last evaluated: 2024-03-22. Review status: criteria provided, single submitter. Criteria: ACMG Guidelines, 2015. Collection method: clinical testing. Allele origin: germline.

PreventionGenetics, part of Exact Sciences
Classification: Uncertain significance for INF2-related condition. Last evaluated: 2023-02-28. Review status: criteria provided, single submitter. Criteria: ACMG Guidelines, 2015. Collection method: clinical testing. Allele origin: germline.
Comment: The INF2 c.2617A>G variant is predicted to result in the amino acid substitution p.Ile873Val. To our knowledge, this variant has not been reported in the literature. This variant is reported in 0.0056% of alleles in individuals of East Asian descent in gnomAD. At this time, the clinical significance of this variant is uncertain due to the absence of conclusive functional and genetic evidence.

NM_022489.4(INF2):c.2617A>G (p.Ile873Val)

Gene: INF2 (inverted formin 2; plus strand). Cytogenetic location: 14q32.33.
Variant type: single nucleotide variant.
Coding change: c.2617A>G on transcript NM_022489.4 (MANE Select); coding-DNA position 2617, A replaced by G.
Protein change: p.Ile873Val; replaces isoleucine 873 with valine.
Molecular consequence: missense variant.
Genome position (GRCh38, 1-based): chr14:104,712,834, A>G. VCF-style: chr14-104712834-A-G. GRCh37 (hg19) VCF-style: chr14-105179171-A-G.
Other names: c.2617A>G, p.Ile873Val (NM_001031714.4); short protein forms I873V.
Identifiers: ClinVar variation 2636330 (VCV002636330.4), dbSNP rs1453391298, ClinGen allele CA391222097.
Genomic context (GRCh38, chr14:104,712,834, plus strand): 5'-CGGGTGGTGCCCGCGCGGGGCTCTCACGGGACTGTCACGTGCCCTTGCCCCCAGGCCAGC[A>G]TCTCGGCCTTCCGGGCACTGGATGAGCTGTTTGAGGCCATCGAGCAGAAGCAACGGGAGC-3'
Protein context (NP_071934.3, residues 863-883): EQYTERLQAS[Ile873Val]SAFRALDELF